The following is an entry in ClinVar:

ClinVar aggregate classification (germline): Uncertain significance. Review status: criteria provided, multiple submitters, no conflicts (2 of 4 stars). 4 submissions from 4 submitters: Uncertain significance (3). 1 of the submissions does not count toward it. Last evaluated 2025-01-24.

Conditions:
Intellectual disability, X-linked 49 (MRXSRC). Also called: MRX49; CLCN4-Related Neurodevelopmental Disorder; CLCN4-related X-linked intellectual disability syndrome; RAYNAUD-CLAES SYNDROME; MENTAL RETARDATION, X-LINKED 15. Identifiers: Orphanet 485350, Orphanet 777, MedGen C0796221, MONDO:0010250, OMIM 300114.
Global developmental delay (DD). Also called: Cognitive delay. Identifiers: MedGen C0557874, HP:0001263. Disease mechanism: loss of function.

Allele frequency attached by ClinVar (database versions not stated): gnomAD exomes below 0.00001; TOPMed below 0.00001; gnomAD 0.00001.
gnomAD v4.1: 3 of 1,209,042 alleles (0.00025%); highest among the groups gnomAD compares: Non-Finnish European, 0.00034%; no homozygotes.

Submissions (4):

GeneDx
Classification: Uncertain significance. Last evaluated: 2025-01-24. Review status: criteria provided, single submitter. Criteria: GeneDx Variant Classification Process June 2021. Collection method: clinical testing. Allele origin: germline. Affected: yes.
Comment: Not observed at significant frequency in large population cohorts (gnomAD); In silico analysis supports that this missense variant has a deleterious effect on protein structure/function; Has not been previously published as pathogenic or benign to our knowledge

Labcorp Genetics (formerly Invitae), Labcorp
Classification: Uncertain significance. Last evaluated: 2024-04-26. Review status: criteria provided, single submitter. Criteria: Invitae Variant Classification Sherloc (09022015). Collection method: clinical testing. Allele origin: germline.
Comment: This sequence change replaces glycine, which is neutral and non-polar, with aspartic acid, which is acidic and polar, at codon 667 of the CLCN4 protein (p.Gly667Asp). This variant is not present in population databases (gnomAD no frequency). This variant has not been reported in the literature in individuals affected with CLCN4-related conditions. ClinVar contains an entry for this variant (Variation ID: 1192185). Advanced modeling of protein sequence and biophysical properties (such as structural, functional, and spatial information, amino acid conservation, physicochemical variation, residue mobility, and thermodynamic stability) performed at Invitae indicates that this missense variant is not expected to disrupt CLCN4 protein function with a negative predictive value of 95%. In summary, the available evidence is currently insufficient to determine the role of this variant in disease. Therefore, it has been classified as a Variant of Uncertain Significance.

Baylor Genetics
Classification: Uncertain significance for Intellectual disability, X-linked 49. Last evaluated: 2022-12-20. Review status: criteria provided, single submitter. Criteria: ACMG Guidelines, 2015. Collection method: clinical testing. Allele origin: unknown.

Institute of Human Genetics, University of Wuerzburg
Classification: Uncertain significance for Global developmental delay. Review status: no assertion criteria provided. Collection method: clinical testing. Allele origin: unknown. Not counted in ClinVar's aggregate classification.

NM_001830.4(CLCN4):c.2000G>A (p.Gly667Asp)

Gene: CLCN4 (Cl-/H+ antiporter 4; plus strand). Cytogenetic location: Xp22.2.
Variant type: single nucleotide variant.
Coding change: c.2000G>A on transcript NM_001830.4 (MANE Select); coding-DNA position 2000, G replaced by A.
Protein change: p.Gly667Asp; replaces glycine 667 with aspartic acid.
Molecular consequence: missense variant.
Genome position (GRCh38, 1-based): chrX:10,220,685, G>A. VCF-style: chrX-10220685-G-A. GRCh37 (hg19) VCF-style: chrX-10188725-G-A.
Other names: c.1718G>A, p.Gly573Asp (NM_001256944.2); short protein forms G573D, G667D.
Identifiers: ClinVar variation 1192185 (VCV001192185.12), dbSNP rs953773970, ClinGen allele CA326601881.